The following is an entry in ClinVar:

ClinVar aggregate classification (germline): Uncertain significance (1 of 4 stars; one submission).

Submission:

GeneDx
Classification: Uncertain significance. Last evaluated: 2024-03-01. Review status: criteria provided, single submitter. Criteria: GeneDx Variant Classification Process June 2021. Collection method: clinical testing. Allele origin: germline. Affected: yes.
Comment: Not observed at significant frequency in large population cohorts (gnomAD); In silico analysis supports that this missense variant has a deleterious effect on protein structure/function; Has not been previously published as pathogenic or benign to our knowledge

NM_080680.3(COL11A2):c.2758C>G (p.Pro920Ala)

Gene: COL11A2 (collagen type XI alpha 2 chain; minus strand). Cytogenetic location: 6p21.32.
Variant type: single nucleotide variant.
Coding change: c.2758C>G on transcript NM_080680.3 (MANE Select); coding-DNA position 2758, C replaced by G.
Protein change: p.Pro920Ala; replaces proline 920 with alanine.
Molecular consequence: missense variant.
Genome position (GRCh38, 1-based): chr6:33,173,092, G>C on the plus strand (C>G on the coding strand, the complement: COL11A2 is on the minus strand). VCF-style: chr6-33173092-G-C. GRCh37 (hg19) VCF-style: chr6-33140869-G-C.
Other names: c.2578C>G, p.Pro860Ala (NM_001424108.1); c.1912C>G, p.Pro638Ala (NM_001424109.1); c.1732C>G, p.Pro578Ala (NM_001424110.1, NM_001424111.1); c.712C>G, p.Pro238Ala (NM_001424112.1); c.2437C>G, p.Pro813Ala (NM_080679.3); c.2500C>G, p.Pro834Ala (NM_080681.3); short protein forms P238A, P578A, P638A, P813A, P834A, P860A, P920A.
Identifiers: ClinVar variation 3369792 (VCV003369792.1).
Genomic context (GRCh38, chr6:33,173,092, plus strand): 5'-GTCCATTCTCTCCTAGGGACAAACCTACCTGAGGTCCCACCACTCCTGGAGGACCAGGGG[G>C]GCCGGTCTTCCCTTGGAAACCCTAGGCGAGGAAGAGAGGAGAATGCAGTGAAAGCAGGTG-3'
Protein context (NP_542411.2, residues 910-930): GEVGFQGKTG[Pro920Ala]PGPPGVVGPQ